The following is an entry in ClinVar:

NM_000179.3(MSH6):c.1490_1491del (p.Arg497fs)

Gene: MSH6 (mutS homolog 6; plus strand). Cytogenetic location: 2p16.3.
Variant type: Deletion.
Coding change: c.1490_1491del on transcript NM_000179.3 (MANE Select); coding-DNA positions 1490 to 1491, 2 bases deleted (GA; older notation c.1490_1491delGA).
Protein change: p.Arg497fs; shifts the reading frame from arginine 497.
Molecular consequence: frameshift variant.
Genome position (GRCh38, 1-based): chr2:47,799,473-47,799,474, GA deleted; deleting any 2 consecutive bases within chr2:47,799,472-47,799,474 gives the same sequence; the c. name uses the placement nearest the transcript's 3' end. VCF-style (leftmost placement, unchanged base first): chr2-47799471-TAG-T. GRCh37 (hg19) VCF-style: chr2-48026610-TAG-T.
Other names: c.1490_1491delGA (NM_000179.2); c.1100_1101del, p.Arg367fs (NM_001281492.2); c.584_585del, p.Arg195fs (NM_001281493.2, NM_001281494.2); short protein forms R195fs, R497fs, R367fs.
Identifiers: ClinVar variation 218053 (VCV000218053.12), dbSNP rs863225400, ClinGen allele CA279730.

ClinVar aggregate classification (germline): Pathogenic. Review status: criteria provided, single submitter (1 of 4 stars). 2 submissions from 2 submitters: Pathogenic (1). 1 of the submissions does not count toward it. Last evaluated 2022-09-13.

Conditions:
Hereditary nonpolyposis colorectal neoplasms. Identifiers: MedGen C0009405, MeSH D003123.

Submissions (2):

Labcorp Genetics (formerly Invitae), Labcorp
Classification: Pathogenic for Hereditary nonpolyposis colorectal neoplasms. Last evaluated: 2022-09-13. Review status: criteria provided, single submitter. Criteria: Invitae Variant Classification Sherloc (09022015). Collection method: clinical testing. Allele origin: germline.
Comment: This variant is not present in population databases (gnomAD no frequency). This sequence change creates a premature translational stop signal (p.Arg497Lysfs*9) in the MSH6 gene. It is expected to result in an absent or disrupted protein product. Loss-of-function variants in MSH6 are known to be pathogenic (PMID: 18269114, 24362816). This variant has not been reported in the literature in individuals affected with MSH6-related conditions. ClinVar contains an entry for this variant (Variation ID: 218053). For these reasons, this variant has been classified as Pathogenic.

Mayo Clinic Laboratories, Mayo Clinic
Classification: Pathogenic. Review status: no assertion criteria provided. Collection method: research. Allele origin: unknown. Observed: 1 variant allele. Not counted in ClinVar's aggregate classification.

Literature cited by the submitters: PubMed 18269114 (cited by Labcorp Genetics (formerly Invitae), Labcorp); PubMed 24362816 (cited by Labcorp Genetics (formerly Invitae), Labcorp).